The following is an entry in ClinVar:

NM_001363711.2(DUOX2):c.3186C>A (p.Tyr1062Ter)

Gene: DUOX2 (dual oxidase 2; minus strand). Cytogenetic location: 15q21.1.
Variant type: single nucleotide variant.
Coding change: c.3186C>A on transcript NM_001363711.2 (MANE Select); coding-DNA position 3186, C replaced by A.
Protein change: p.Tyr1062Ter; replaces tyrosine 1062 with a stop codon.
Molecular consequence: nonsense.
Genome position (GRCh38, 1-based): chr15:45,099,891, G>T on the plus strand (C>A on the coding strand, the complement: DUOX2 is on the minus strand). VCF-style: chr15-45099891-G-T. GRCh37 (hg19) VCF-style: chr15-45392089-G-T.
Other names: c.3186C>A, p.Tyr1062Ter (NM_014080.5); short protein forms Y1062*.
Identifiers: ClinVar variation 2814210 (VCV002814210.3), dbSNP rs1220493082, ClinGen allele CA392262828.

ClinVar aggregate classification (germline): Pathogenic (1 of 4 stars; one submission).

Submission:

Labcorp Genetics (formerly Invitae), Labcorp
Classification: Pathogenic. Last evaluated: 2026-01-27. Review status: criteria provided, single submitter. Criteria: Invitae Variant Classification Sherloc (09022015). Collection method: clinical testing. Allele origin: germline.
Comment: This sequence change creates a premature translational stop signal (p.Tyr1062*) in the DUOX2 gene. It is expected to result in an absent or disrupted protein product. Loss-of-function variants in DUOX2 are known to be pathogenic (PMID: 12110737, 18765513, 21565790, 24423310, 24735383). This variant is not present in population databases (gnomAD no frequency). This variant has not been reported in the literature in individuals affected with DUOX2-related conditions. ClinVar contains an entry for this variant (Variation ID: 2814210). For these reasons, this variant has been classified as Pathogenic.

Literature cited by the submitters: PubMed 12110737; PubMed 18765513; PubMed 21565790; PubMed 24423310; PubMed 24735383.